The following is an entry in ClinVar:

ClinVar aggregate classification (germline): Uncertain significance. Review status: criteria provided, multiple submitters, no conflicts (2 of 4 stars). 2 submissions from 2 submitters: Uncertain significance (2). Last evaluated 2023-03-03.

Conditions:
Hereditary cancer-predisposing syndrome. Also called: Neoplastic Syndromes, Hereditary; Tumor predisposition; Hereditary Cancer Syndrome; Hereditary neoplastic syndrome. Identifiers: Orphanet 140162, MedGen C0027672, MeSH D009386, MONDO:0015356.

Allele frequency attached by ClinVar (database versions not stated): gnomAD exomes below 0.00001.
gnomAD v4.1: 1 of 1,614,200 alleles (0.000062%); highest among the groups gnomAD compares: South Asian, 0.0011%; no homozygotes.

Submissions (2):

GeneDx
Classification: Uncertain significance. Last evaluated: 2023-03-03. Review status: criteria provided, single submitter. Criteria: GeneDx Variant Classification Process June 2021. Collection method: clinical testing. Allele origin: germline. Affected: yes.
Comment: Not observed at significant frequency in large population cohorts (gnomAD); In silico analysis supports that this missense variant has a deleterious effect on protein structure/function; Has not been previously published as pathogenic or benign to our knowledge

Ambry Genetics
Classification: Uncertain significance for Hereditary cancer-predisposing syndrome. Last evaluated: 2021-08-11. Review status: criteria provided, single submitter. Criteria: Ambry Variant Classification Scheme 2023. Collection method: clinical testing. Allele origin: germline.
Comment: The p.S1323P variant (also known as c.3967T>C), located in coding exon 20 of the BLM gene, results from a T to C substitution at nucleotide position 3967. The serine at codon 1323 is replaced by proline, an amino acid with similar properties. This amino acid position is highly conserved in available vertebrate species. In addition, this alteration is predicted to be deleterious by in silico analysis. Since supporting evidence is limited at this time, the clinical significance of this alteration remains unclear.

NM_000057.4(BLM):c.3967T>C (p.Ser1323Pro)

Gene: BLM (BLM RecQ like helicase; plus strand). Cytogenetic location: 15q26.1.
Variant type: single nucleotide variant.
Coding change: c.3967T>C on transcript NM_000057.4 (MANE Select); coding-DNA position 3967, T replaced by C.
Protein change: p.Ser1323Pro; replaces serine 1323 with proline.
Molecular consequence: missense variant.
Genome position (GRCh38, 1-based): chr15:90,811,297, T>C. VCF-style: chr15-90811297-T-C. GRCh37 (hg19) VCF-style: chr15-91354527-T-C.
Other names: c.3967T>C, p.Ser1323Pro (NM_001287246.2); c.3574T>C, p.Ser1192Pro (NM_001287247.2); c.2842T>C, p.Ser948Pro (NM_001287248.2); short protein forms S1323P, S948P, S1192P.
Identifiers: ClinVar variation 1736568 (VCV001736568.3), dbSNP rs1439192800, ClinGen allele CA393850936.